The following is an entry in ClinVar:

NM_002734.5(PRKAR1A):c.162T>A (p.Phe54Leu)

Gene: PRKAR1A (protein kinase cAMP-dependent type I regulatory subunit alpha; plus strand). Cytogenetic location: 17q24.2.
Variant type: single nucleotide variant.
Coding change: c.162T>A on transcript NM_002734.5 (MANE Select); coding-DNA position 162, T replaced by A.
Protein change: p.Phe54Leu; replaces phenylalanine 54 with leucine.
Molecular consequence: missense variant.
Genome position (GRCh38, 1-based): chr17:68,515,561, T>A. VCF-style: chr17-68515561-T-A. GRCh37 (hg19) VCF-style: chr17-66511702-T-A.
Other names: c.162T>A, p.Phe54Leu (NM_001276289.2, NM_001276290.1, NM_001278433.2 and 4 more transcripts); c.162T>A (NM_002734.3); short protein forms F54L.
Identifiers: ClinVar variation 2694282 (VCV002694282.4), dbSNP rs1220727515, ClinGen allele CA400752101.

ClinVar aggregate classification (germline): Uncertain significance. Review status: criteria provided, multiple submitters, no conflicts (2 of 4 stars). 2 submissions from 2 submitters: Uncertain significance (2). Last evaluated 2023-12-31.

Conditions:
Hereditary cancer-predisposing syndrome. Also called: Neoplastic Syndromes, Hereditary; Hereditary Cancer Syndrome; Tumor predisposition; Hereditary neoplastic syndrome. Identifiers: Orphanet 140162, MedGen C0027672, MeSH D009386, MONDO:0015356.
Carney complex, type 1 (CNC1). Also called: CARNEY COMPLEX, TYPE I; CARNEY MYXOMA-ENDOCRINE COMPLEX. Identifiers: Orphanet 1359, MedGen C2607929, MONDO:0008057, OMIM 160980.

Submissions (2):

Ambry Genetics
Classification: Uncertain significance for Hereditary cancer-predisposing syndrome. Last evaluated: 2023-12-31. Review status: criteria provided, single submitter. Criteria: Ambry Variant Classification Scheme 2023. Collection method: clinical testing. Allele origin: germline.
Comment: The p.F54L variant (also known as c.162T>A), located in coding exon 1 of the PRKAR1A gene, results from a T to A substitution at nucleotide position 162. The phenylalanine at codon 54 is replaced by leucine, an amino acid with highly similar properties. This amino acid position is conserved. In addition, this alteration is predicted to be deleterious by in silico analysis. Since supporting evidence is limited at this time, the clinical significance of this alteration remains unclear.

Labcorp Genetics (formerly Invitae), Labcorp
Classification: Uncertain significance for Carney complex, type 1. Last evaluated: 2023-12-14. Review status: criteria provided, single submitter. Criteria: Invitae Variant Classification Sherloc (09022015). Collection method: clinical testing. Allele origin: germline.
Comment: This sequence change replaces phenylalanine, which is neutral and non-polar, with leucine, which is neutral and non-polar, at codon 54 of the PRKAR1A protein (p.Phe54Leu). This variant is not present in population databases (gnomAD no frequency). This variant has not been reported in the literature in individuals affected with PRKAR1A-related conditions. An algorithm developed to predict the effect of missense changes on protein structure and function (PolyPhen-2) suggests that this variant is likely to be tolerated. In summary, the available evidence is currently insufficient to determine the role of this variant in disease. Therefore, it has been classified as a Variant of Uncertain Significance.